The following is an entry in ClinVar:

ClinVar aggregate classification (germline): Uncertain significance. Review status: criteria provided, multiple submitters, no conflicts (2 of 4 stars). 2 submissions from 2 submitters: Uncertain significance (2). Last evaluated 2025-08-02.

Conditions:
Neutropenia, severe congenital, 2, autosomal dominant. Identifiers: Orphanet 486, MedGen C2751288, MONDO:0013139, OMIM 613107.

Submissions (2):

Ambry Genetics
Classification: Uncertain significance. Last evaluated: 2025-08-02. Review status: criteria provided, single submitter. Criteria: Ambry Variant Classification Scheme 2023. Collection method: clinical testing. Allele origin: germline.
Comment: The p.A181E variant (also known as c.542C>A), located in coding exon 3 of the GFI1 gene, results from a C to A substitution at nucleotide position 542. The alanine at codon 181 is replaced by glutamic acid, an amino acid with dissimilar properties. This amino acid position is conserved. In addition, this alteration is predicted to be tolerated by in silico analysis. Based on the available evidence, the clinical significance of this variant remains unclear.

Labcorp Genetics (formerly Invitae), Labcorp
Classification: Uncertain significance for Neutropenia, severe congenital, 2, autosomal dominant. Last evaluated: 2023-01-16. Review status: criteria provided, single submitter. Criteria: Invitae Variant Classification Sherloc (09022015). Collection method: clinical testing. Allele origin: germline.
Comment: In summary, the available evidence is currently insufficient to determine the role of this variant in disease. Therefore, it has been classified as a Variant of Uncertain Significance. Advanced modeling of protein sequence and biophysical properties (such as structural, functional, and spatial information, amino acid conservation, physicochemical variation, residue mobility, and thermodynamic stability) performed at Invitae indicates that this missense variant is not expected to disrupt GFI1 protein function. This variant has not been reported in the literature in individuals affected with GFI1-related conditions. This variant is present in population databases (no rsID available, gnomAD no frequency). This sequence change replaces alanine, which is neutral and non-polar, with glutamic acid, which is acidic and polar, at codon 181 of the GFI1 protein (p.Ala181Glu).

NM_005263.5(GFI1):c.542C>A (p.Ala181Glu)

Gene: GFI1 (growth factor independent 1 transcriptional repressor; minus strand). Cytogenetic location: 1p22.1.
Variant type: single nucleotide variant.
Coding change: c.542C>A on transcript NM_005263.5 (MANE Select); coding-DNA position 542, C replaced by A.
Protein change: p.Ala181Glu; replaces alanine 181 with glutamic acid.
Molecular consequence: missense variant.
Genome position (GRCh38, 1-based): chr1:92,480,845, G>T on the plus strand (C>A on the coding strand, the complement: GFI1 is on the minus strand). VCF-style: chr1-92480845-G-T. GRCh37 (hg19) VCF-style: chr1-92946402-G-T.
Other names: c.542C>A, p.Ala181Glu (NM_001127215.3, NM_001127216.3); short protein forms A181E.
Identifiers: ClinVar variation 2829271 (VCV002829271.4), dbSNP rs562160899, ClinGen allele CA341149627.